The following is an entry in ClinVar:

ClinVar aggregate classification (germline): Uncertain significance (1 of 4 stars; one submission).

Conditions:
Hereditary nonpolyposis colorectal neoplasms. Identifiers: MedGen C0009405, MeSH D003123.

Submission:

Labcorp Genetics (formerly Invitae), Labcorp
Classification: Uncertain significance for Hereditary nonpolyposis colorectal neoplasms. Last evaluated: 2022-07-14. Review status: criteria provided, single submitter. Criteria: Invitae Variant Classification Sherloc (09022015). Collection method: clinical testing. Allele origin: germline.
Comment: This sequence change replaces arginine, which is basic and polar, with serine, which is neutral and polar, at codon 304 of the PMS2 protein (p.Arg304Ser). This variant is not present in population databases (gnomAD no frequency). This variant has not been reported in the literature in individuals affected with PMS2-related conditions. Advanced modeling of protein sequence and biophysical properties (such as structural, functional, and spatial information, amino acid conservation, physicochemical variation, residue mobility, and thermodynamic stability) performed at Invitae indicates that this missense variant is not expected to disrupt PMS2 protein function. In summary, the available evidence is currently insufficient to determine the role of this variant in disease. Therefore, it has been classified as a Variant of Uncertain Significance.

NM_000535.7(PMS2):c.912A>T (p.Arg304Ser)

Gene: PMS2 (PMS1 homolog 2, mismatch repair system component; minus strand). Cytogenetic location: 7p22.1.
Variant type: single nucleotide variant.
Coding change: c.912A>T on transcript NM_000535.7 (MANE Select); coding-DNA position 912, A replaced by T.
Protein change: p.Arg304Ser; replaces arginine 304 with serine.
Molecular consequence: missense variant. On other transcripts: 5 prime UTR variant (2), non-coding transcript variant (1).
Genome position (GRCh38, 1-based): chr7:5,992,049, T>A on the plus strand (A>T on the coding strand, the complement: PMS2 is on the minus strand). VCF-style: chr7-5992049-T-A. GRCh37 (hg19) VCF-style: chr7-6031680-T-A.
Other names: c.507A>T, p.Arg169Ser (NM_001018040.1, NM_001322003.2, NM_001322004.2 and 20 more transcripts); c.912A>T, p.Arg304Ser (NM_001322006.2, NM_001322014.2, NM_001406870.1 and 2 more transcripts); c.594A>T, p.Arg198Ser (NM_001322007.2, NM_001322008.2, NM_001406876.1 and 4 more transcripts); c.-22A>T (NM_001322011.2, NM_001322012.2); c.339A>T, p.Arg113Ser (NM_001322013.2, NM_001406909.1); c.603A>T, p.Arg201Ser (NM_001322015.2, NM_001406875.1, NM_001406877.1 and 6 more transcripts); c.1098A>T, p.Arg366Ser (NM_001406866.1); c.936A>T, p.Arg312Ser (NM_001406868.1); and 7 more; short protein forms R198S, R201S, R238S, R248S, R268S, R182S, R47S, R192S.
Identifiers: ClinVar variation 1942821 (VCV001942821.5), dbSNP rs1490717599, ClinGen allele CA366743207.